The following is an entry in ClinVar:

NM_001286611.2(REPS1):c.1616C>T (p.Thr539Met)

Gene: REPS1 (RALBP1 associated Eps domain containing 1; minus strand). Cytogenetic location: 6q24.1.
Variant type: single nucleotide variant.
Coding change: c.1616C>T on transcript NM_001286611.2 (MANE Select); coding-DNA position 1616, C replaced by T.
Protein change: p.Thr539Met; replaces threonine 539 with methionine.
Molecular consequence: missense variant. On other transcripts: intron variant (1).
Genome position (GRCh38, 1-based): chr6:138,915,962, G>A on the plus strand (C>T on the coding strand, the complement: REPS1 is on the minus strand). VCF-style: chr6-138915962-G-A. GRCh37 (hg19) VCF-style: chr6-139237099-G-A.
Other names: c.1535C>T, p.Thr512Met (NM_001128617.3); c.1613C>T, p.Thr538Met (NM_031922.5); c.1448-1201C>T (NM_001286612.2); c.1613C>T (NM_031922.3); short protein forms T512M, T538M, T539M.
Identifiers: ClinVar variation 1436421 (VCV001436421.9), dbSNP rs373034841, ClinGen allele CA4024099.

ClinVar aggregate classification (germline): Uncertain significance. Review status: criteria provided, multiple submitters, no conflicts (2 of 4 stars). 2 submissions from 2 submitters: Uncertain significance (2). Last evaluated 2025-08-02.

Allele frequency attached by ClinVar (database versions not stated): ESP Exome Variant Server 0.00015; gnomAD 0.00015 and 0.00012; TOPMed 0.00017; gnomAD exomes 0.00003 and 0.00005; ExAC 0.00007.
gnomAD v4.1: 61 of 1,613,082 alleles (0.0038%); highest among the groups gnomAD compares: African/African-American, 0.049%; no homozygotes.

Submissions (2):

Ambry Genetics
Classification: Uncertain significance. Last evaluated: 2025-08-02. Review status: criteria provided, single submitter. Criteria: Ambry Variant Classification Scheme 2023. Collection method: clinical testing. Allele origin: germline.

Labcorp Genetics (formerly Invitae), Labcorp
Classification: Uncertain significance. Last evaluated: 2024-10-24. Review status: criteria provided, single submitter. Criteria: Invitae Variant Classification Sherloc (09022015). Collection method: clinical testing. Allele origin: germline.
Comment: This sequence change replaces threonine, which is neutral and polar, with methionine, which is neutral and non-polar, at codon 539 of the REPS1 protein (p.Thr539Met). This variant is present in population databases (rs373034841, gnomAD 0.06%), and has an allele count higher than expected for a pathogenic variant. This variant has not been reported in the literature in individuals affected with REPS1-related conditions. ClinVar contains an entry for this variant (Variation ID: 1436421). An algorithm developed to predict the effect of missense changes on protein structure and function outputs the following: PolyPhen-2: "Benign". The methionine amino acid residue is found in multiple mammalian species, which suggests that this missense change does not adversely affect protein function. In summary, the available evidence is currently insufficient to determine the role of this variant in disease. Therefore, it has been classified as a Variant of Uncertain Significance.